The following is an entry in ClinVar:

ClinVar aggregate classification (germline): Likely benign. Review status: criteria provided, multiple submitters, no conflicts (2 of 4 stars). 3 submissions from 3 submitters: Likely benign (3). Last evaluated 2025-09-20.

Conditions:
Tuberous sclerosis syndrome (TSC). Also called: Tuberous Sclerosis Complex; Tuberous sclerosis. Identifiers: Orphanet 805, MedGen C0041341, MONDO:0001734.
Tuberous sclerosis 2 (TSC2). Identifiers: Orphanet 805, MedGen C1860707, MONDO:0013199, OMIM 613254.

Submissions (3):

Labcorp Genetics (formerly Invitae), Labcorp
Classification: Likely benign for Tuberous sclerosis 2. Last evaluated: 2025-09-20. Review status: criteria provided, single submitter. Criteria: Invitae Variant Classification Sherloc (09022015). Collection method: clinical testing. Allele origin: germline.

Color Diagnostics, LLC DBA Color Health
Classification: Likely benign for Tuberous sclerosis syndrome. Last evaluated: 2025-06-25. Review status: criteria provided, single submitter. Criteria: ACMG Guidelines, 2015. Collection method: clinical testing. Allele origin: germline.

Myriad Genetics, Inc.
Classification: Likely benign for Tuberous sclerosis 2. Last evaluated: 2025-05-02. Review status: criteria provided, single submitter. Criteria: Myriad Autosomal Dominant, Autosomal Recessive and X-Linked Classification Criteria (2023). Collection method: clinical testing. Allele origin: unknown.
Comment: This variant is considered likely benign. This variant is intronic and is not expected to impact mRNA splicing.

NM_000548.5(TSC2):c.337-16_337-15delinsCC

Gene: TSC2 (TSC complex subunit 2; plus strand). Cytogenetic location: 16p13.3.
Variant type: Indel.
Coding change: c.337-16_337-15delinsCC on transcript NM_000548.5 (MANE Select); 16 bases into the intron before coding-DNA position 337 through 15 bases into the intron before coding-DNA position 337, TG replaced by CC.
Molecular consequence: intron variant.
Genome position (GRCh38, 1-based): chr16:2,054,280-2,054,281, TG replaced by CC. VCF-style: chr16-2054280-TG-CC. GRCh37 (hg19) VCF-style: chr16-2104281-TG-CC.
Other names: c.337-16_337-15delinsCC (NM_001077183.3, NM_001114382.3, NM_021055.3 and 3 more transcripts); c.226-16_226-15delinsCC (NM_001318827.2); c.-1-1916_-1-1915delinsCC (NM_001318831.2); c.190-16_190-15delinsCC (NM_001318829.2); c.370-16_370-15delinsCC (NM_001318832.2).
Identifiers: ClinVar variation 1596108 (VCV001596108.9), dbSNP rs2151039514, ClinGen allele CA2573151789.